The following is an entry in ClinVar:

NM_004268.5(MED17):c.1927A>G (p.Met643Val)

Gene: MED17 (mediator complex subunit 17; plus strand). Cytogenetic location: 11q21.
Variant type: single nucleotide variant.
Coding change: c.1927A>G on transcript NM_004268.5 (MANE Select); coding-DNA position 1927, A replaced by G.
Protein change: p.Met643Val; replaces methionine 643 with valine.
Molecular consequence: missense variant.
Genome position (GRCh38, 1-based): chr11:93,812,035, A>G. VCF-style: chr11-93812035-A-G. GRCh37 (hg19) VCF-style: chr11-93545201-A-G.
Other names: short protein forms M643V.
Identifiers: ClinVar variation 978880 (VCV000978880.7), dbSNP rs761959231, ClinGen allele CA6232734.

ClinVar aggregate classification (germline): Conflicting classifications of pathogenicity. Review status: criteria provided, conflicting classifications (1 of 4 stars). 5 submissions from 5 submitters: Uncertain significance (3); Likely benign (1). 1 of the submissions does not count toward it. Last evaluated 2024-10-08.

Conditions:
Inborn genetic diseases. Identifiers: MedGen C0950123, MeSH D030342.
Infantile cerebral and cerebellar atrophy with postnatal progressive microcephaly (MSBA). Identifiers: Orphanet 402364, MedGen C3150921, MONDO:0013351, OMIM 613668.
Intellectual disability. Also called: Intellectual functioning disability; Intellectual developmental disorder; intellectual disabilities. Identifiers: MedGen C3714756, MeSH D008607, MONDO:0001071, HP:0001249.

Allele frequency attached by ClinVar (database versions not stated): gnomAD 0.00001; TOPMed 0.00001; gnomAD exomes 0.00002 and 0.00004; ExAC 0.00003.
gnomAD v4.1: 26 of 1,614,020 alleles (0.0016%); highest among the groups gnomAD compares: Admixed American, 0.022%; no homozygotes.

Submissions (5):

Ambry Genetics
Classification: Likely benign for Inborn genetic diseases. Last evaluated: 2024-10-08. Review status: criteria provided, single submitter. Criteria: Ambry Variant Classification Scheme 2023. Collection method: clinical testing. Allele origin: germline.

Labcorp Genetics (formerly Invitae), Labcorp
Classification: Uncertain significance. Last evaluated: 2022-07-26. Review status: criteria provided, single submitter. Criteria: Invitae Variant Classification Sherloc (09022015). Collection method: clinical testing. Allele origin: germline.
Comment: This sequence change replaces methionine, which is neutral and non-polar, with valine, which is neutral and non-polar, at codon 643 of the MED17 protein (p.Met643Val). This variant is present in population databases (rs761959231, gnomAD 0.02%). This variant has not been reported in the literature in individuals affected with MED17-related conditions. ClinVar contains an entry for this variant (Variation ID: 978880). Algorithms developed to predict the effect of missense changes on protein structure and function are either unavailable or do not agree on the potential impact of this missense change (SIFT: "Deleterious"; PolyPhen-2: "Benign"; Align-GVGD: "Class C0"). In summary, the available evidence is currently insufficient to determine the role of this variant in disease. Therefore, it has been classified as a Variant of Uncertain Significance.

CENTOGENE GmbH and LLC - Guiding Precision Medicine
Classification: Uncertain significance for Infantile cerebral and cerebellar atrophy with postnatal progressive microcephaly. Last evaluated: 2021-05-14. Review status: criteria provided, single submitter. Criteria: ACMG Guidelines, 2015. Collection method: clinical testing. Allele origin: germline. Affected: yes.

Diagnostic Laboratory, Strasbourg University Hospital
Classification: Uncertain significance for Intellectual disability. Last evaluated: 2020-04-20. Review status: criteria provided, single submitter. Criteria: ACMG Guidelines, 2015. Collection method: clinical testing. Allele origin: biparental. Inheritance: Autosomal recessive inheritance. Affected: yes. Observed: 1 homozygote.

Natera, Inc.
Classification: Uncertain significance for Postnatal progressive microcephaly with seizures and brain atrophy. Last evaluated: 2020-04-17. Review status: no assertion criteria provided. Collection method: clinical testing. Allele origin: germline. Not counted in ClinVar's aggregate classification.